The following is an entry in ClinVar:

NM_001356.5(DDX3X):c.275dup (p.Arg93fs)

Gene: DDX3X (DEAD-box helicase 3 X-linked; plus strand). Cytogenetic location: Xp11.4.
Variant type: Duplication.
Coding change: c.275dup on transcript NM_001356.5 (MANE Select); coding-DNA position 275, one base duplicated (C; older notation c.275dupC).
Protein change: p.Arg93fs; shifts the reading frame from arginine 93.
Molecular consequence: frameshift variant. On other transcripts: 5 prime UTR variant (1), non-coding transcript variant (1).
Genome position (GRCh38, 1-based): chrX:41,341,607, C duplicated. VCF-style (leftmost placement, unchanged base first): chrX-41341606-T-TC. GRCh37 (hg19) VCF-style: chrX-41200859-T-TC.
Other names: c.275dup, p.Arg93fs (NM_001193416.3); c.227dup, p.Arg77fs (NM_001193417.3); c.-284dup (NM_001363819.1); short protein forms R77fs, R93fs.
Identifiers: ClinVar variation 1795663 (VCV001795663.2), dbSNP rs2519505704, ClinGen allele CA2580101017.
Genomic context (GRCh38, chrX:41,341,606, plus strand): 5'-TTTGGATCTCGTAGTGATTCAAGAGGGAAGTCTAGCTTCTTCAGTGATCGTGGAAGTGGA[T>TC]CAAGGGGAAGGTAAGTGATTTCTTAATCACCTTACGTGTATGTATAATAACAGTTTAATA-3'

ClinVar aggregate classification (germline): Pathogenic (1 of 4 stars; one submission).

Conditions:
Inborn genetic diseases. Identifiers: MedGen C0950123, MeSH D030342.

Submission:

Ambry Genetics
Classification: Pathogenic for Inborn genetic diseases. Last evaluated: 2019-08-28. Review status: criteria provided, single submitter. Criteria: Ambry Variant Classification Scheme 2023. Collection method: clinical testing. Allele origin: germline.
Comment: The c.275dupC pathogenic mutation, located in coding exon 4 of the DDX3X gene, results from a duplication of C at nucleotide position 275, causing a translational frameshift with a predicted alternate stop codon (p.R93Kfs*5). This alteration is expected to result in loss of function by premature protein truncation or nonsense-mediated mRNA decay. As such, this alteration is interpreted as a disease-causing mutation.